The following is an entry in ClinVar:

ClinVar aggregate classification (germline): Likely benign (0 of 4 stars; one submission).

Conditions:
TMEM26-related condition.

gnomAD v4.1: 1 of 1,609,210 alleles (0.000062%); highest among the groups gnomAD compares: Non-Finnish European, 0.000085%; no homozygotes.

Submission:

PreventionGenetics, part of Exact Sciences
Classification: Likely benign for TMEM26-related condition. Last evaluated: 2024-07-25. Review status: no assertion criteria provided. Collection method: clinical testing. Allele origin: germline.
Comment: This variant is classified as likely benign based on ACMG/AMP sequence variant interpretation guidelines (Richards et al. 2015 PMID: 25741868, with internal and published modifications).

NM_178505.8(TMEM26):c.-13T>C

Genes: TMEM26 (transmembrane protein 26; minus strand), TMEM26-AS1 (TMEM26 antisense RNA 1; plus strand). Cytogenetic location: 10q21.2.
Variant type: single nucleotide variant.
Coding change: c.-13T>C on transcript NM_178505.8 (MANE Select); 13 bases upstream of the start codon, T replaced by C.
Molecular consequence: 5 prime UTR variant. On other transcripts: non-coding transcript variant (3).
Genome position (GRCh38, 1-based): chr10:61,453,094, A>G on the plus strand (T>C on the coding strand, the complement: TMEM26 is on the minus strand). VCF-style: chr10-61453094-A-G. GRCh37 (hg19) VCF-style: chr10-63212852-A-G.
Identifiers: ClinVar variation 3347361 (VCV003347361.1).